The following is an entry in ClinVar:

NM_001005361.3(DNM2):c.992+11C>T

Gene: DNM2 (dynamin 2; plus strand). Cytogenetic location: 19p13.2.
Variant type: single nucleotide variant.
Coding change: c.992+11C>T on transcript NM_001005361.3 (MANE Select); 11 bases into the intron after coding-DNA position 992, C replaced by T.
Molecular consequence: intron variant.
Genome position (GRCh38, 1-based): chr19:10,786,717, C>T. VCF-style: chr19-10786717-C-T. GRCh37 (hg19) VCF-style: chr19-10897393-C-T.
Other names: c.992+11C>T (NM_001005360.3, NM_001190716.2, NM_004945.4 and 1 more transcripts).
Identifiers: ClinVar variation 513966 (VCV000513966.9), dbSNP rs761511769, ClinGen allele CA9200944.

ClinVar aggregate classification (germline): Likely benign. Review status: criteria provided, multiple submitters, no conflicts (2 of 4 stars). 3 submissions from 3 submitters: Likely benign (3). Last evaluated 2025-07-16.

Conditions:
Charcot-Marie-Tooth disease dominant intermediate B (CMTDIB). Also called: CHARCOT-MARIE-TOOTH NEUROPATHY, DOMINANT INTERMEDIATE B; Charcot-Marie-Tooth disease dominant intermediate 1; CMT DI1; Charcot-Marie-Tooth disease dominant intermediate I. Identifiers: Orphanet 100044, Orphanet 228179, MedGen C1847902, MONDO:0011674, OMIM 606482.

Allele frequency attached by ClinVar (database versions not stated): gnomAD 0.00003; gnomAD exomes 0.00006 and 0.00014; TOPMed 0.00007; ExAC 0.00009.
gnomAD v4.1: 100 of 1,613,808 alleles (0.0062%); highest among the groups gnomAD compares: Admixed American, 0.037%; 1 homozygote.

Submissions (3):

ARUP Laboratories, Molecular Genetics and Genomics, ARUP Laboratories
Classification: Likely benign. Last evaluated: 2025-07-16. Review status: criteria provided, single submitter. Criteria: ARUP Molecular Germline Variant Investigation Process 2024. Collection method: clinical testing. Allele origin: germline.

Labcorp Genetics (formerly Invitae), Labcorp
Classification: Likely benign for Charcot-Marie-Tooth disease dominant intermediate B. Last evaluated: 2025-07-13. Review status: criteria provided, single submitter. Criteria: Invitae Variant Classification Sherloc (09022015). Collection method: clinical testing. Allele origin: germline.

GeneDx
Classification: Likely benign. Last evaluated: 2017-12-27. Review status: criteria provided, single submitter. Criteria: GeneDx Variant Classification (06012015). Collection method: clinical testing. Allele origin: germline. Affected: yes.
Comment: This variant is considered likely benign or benign based on one or more of the following criteria: it is a conservative change, it occurs at a poorly conserved position in the protein, it is predicted to be benign by multiple in silico algorithms, and/or has population frequency not consistent with disease.